The following is an entry in ClinVar:

NM_001048174.2(MUTYH):c.1143G>T (p.Trp381Cys)

Gene: MUTYH (mutY DNA glycosylase; minus strand). Cytogenetic location: 1p34.1.
Variant type: single nucleotide variant.
Coding change: c.1143G>T on transcript NM_001048174.2 (MANE Select); coding-DNA position 1143, G replaced by T.
Protein change: p.Trp381Cys; replaces tryptophan 381 with cysteine.
Molecular consequence: missense variant. On other transcripts: non-coding transcript variant (7).
Genome position (GRCh38, 1-based): chr1:45,331,516, C>A on the plus strand (G>T on the coding strand, the complement: MUTYH is on the minus strand). VCF-style: chr1-45331516-C-A. GRCh37 (hg19) VCF-style: chr1-45797188-C-A.
Other names: c.867G>T, p.Trp289Cys (NM_001407091.1, NM_001293192.2, NM_001293196.2); c.1218G>T, p.Trp406Cys (NM_012222.3); c.1143G>T, p.Trp381Cys (NM_001048171.2, NM_001048173.2, NM_001293195.2 and 6 more transcripts); c.1146G>T, p.Trp382Cys (NM_001048172.2, NM_001407071.1, NM_001407078.1 and 1 more transcripts); c.1227G>T, p.Trp409Cys (NM_001128425.2); c.1188G>T, p.Trp396Cys (NM_001293190.2); c.1176G>T, p.Trp392Cys (NM_001293191.2, NM_001407069.1, NM_001407077.1); c.798G>T, p.Trp266Cys (NM_001350650.2, NM_001350651.2, NM_001407082.1); and 5 more; short protein forms W266C, W289C, W381C, W392C, W396C, W406C, W382C, W388C.
Identifiers: ClinVar variation 4113099 (VCV004113099.1).

ClinVar aggregate classification (germline): Uncertain significance (1 of 4 stars; one submission).

Conditions:
Hereditary cancer-predisposing syndrome. Also called: Tumor predisposition; Neoplastic Syndromes, Hereditary; Hereditary neoplastic syndrome; Hereditary Cancer Syndrome. Identifiers: Orphanet 140162, MedGen C0027672, MeSH D009386, MONDO:0015356.

Submission:

Ambry Genetics
Classification: Uncertain significance for Hereditary cancer-predisposing syndrome. Last evaluated: 2025-08-27. Review status: criteria provided, single submitter. Criteria: Ambry Variant Classification Scheme 2023. Collection method: clinical testing. Allele origin: germline.
Comment: The p.W409C variant (also known as c.1227G>T), located in coding exon 13 of the MUTYH gene, results from a G to T substitution at nucleotide position 1227. The tryptophan at codon 409 is replaced by cysteine, an amino acid with highly dissimilar properties. This amino acid position is conserved. In addition, this alteration is predicted to be tolerated by in silico analysis. Based on the available evidence, the clinical significance of this variant remains unclear.